The following is an entry in ClinVar:

ClinVar aggregate classification (germline): Uncertain significance (1 of 4 stars; one submission).

gnomAD v4.1: 2 of 1,614,118 alleles (0.00012%); highest among the groups gnomAD compares: Non-Finnish European, 0.00017%; no homozygotes.

Submission:

GeneDx
Classification: Uncertain significance. Last evaluated: 2023-10-24. Review status: criteria provided, single submitter. Criteria: GeneDx Variant Classification Process June 2021. Collection method: clinical testing. Allele origin: germline. Affected: yes.
Comment: Has not been previously published as pathogenic or benign to our knowledge; In silico analysis supports that this missense variant has a deleterious effect on protein structure/function; Not observed at significant frequency in large population cohorts (gnomAD); In silico analysis supports a deleterious effect on splicing

NM_000528.4(MAN2B1):c.1215C>G (p.Ser405Arg)

Gene: MAN2B1 (mannosidase alpha class 2B member 1; minus strand). Cytogenetic location: 19p13.13.
Variant type: single nucleotide variant.
Coding change: c.1215C>G on transcript NM_000528.4 (MANE Select); coding-DNA position 1215, C replaced by G.
Protein change: p.Ser405Arg; replaces serine 405 with arginine.
Molecular consequence: missense variant.
Genome position (GRCh38, 1-based): chr19:12,658,239, G>C on the plus strand (C>G on the coding strand, the complement: MAN2B1 is on the minus strand). VCF-style: chr19-12658239-G-C. GRCh37 (hg19) VCF-style: chr19-12769053-G-C.
Other names: c.1212C>G, p.Ser404Arg (NM_001173498.2); short protein forms S404R, S405R.
Identifiers: ClinVar variation 3363434 (VCV003363434.1).